The following is an entry in ClinVar:

NM_005732.4(RAD50):c.2105del (p.Gln702fs)

Gene: RAD50 (RAD50 double strand break repair protein; plus strand). Cytogenetic location: 5q31.1.
Variant type: Deletion.
Coding change: c.2105del on transcript NM_005732.4 (MANE Select); coding-DNA position 2105, one base deleted (A; older notation c.2105delA).
Protein change: p.Gln702fs; shifts the reading frame from glutamine 702.
Molecular consequence: frameshift variant.
Genome position (GRCh38, 1-based): chr5:132,595,708, A deleted. VCF-style (leftmost placement, unchanged base first): chr5-132595707-CA-C. GRCh37 (hg19) VCF-style: chr5-131931399-CA-C.
Other names: short protein forms Q702fs.
Identifiers: ClinVar variation 1785982 (VCV001785982.2), dbSNP rs1215181446, ClinGen allele CA804002692.
Genomic context (GRCh38, chr5:132,595,707, plus strand): 5'-CCCGTTTGTCAGAGAGTTTTTCAGACAGAGGCTGAGTTACAAGAAGTCATCAGTGATTTG[CA>C]GTCTAAACTGCGACTTGCTCCAGATAAACTCAAGTCAACAGAATCAGAGCTAAAAAAAAA-3'

ClinVar aggregate classification (germline): Pathogenic (1 of 4 stars; one submission).

Conditions:
Hereditary cancer-predisposing syndrome. Also called: Neoplastic Syndromes, Hereditary; Tumor predisposition; Hereditary Cancer Syndrome; Hereditary neoplastic syndrome. Identifiers: Orphanet 140162, MedGen C0027672, MeSH D009386, MONDO:0015356.

Allele frequency attached by ClinVar (database versions not stated): TOPMed below 0.00001.

Submission:

Ambry Genetics
Classification: Pathogenic for Hereditary cancer-predisposing syndrome. Last evaluated: 2019-11-19. Review status: criteria provided, single submitter. Criteria: Ambry Variant Classification Scheme 2023. Collection method: clinical testing. Allele origin: germline.
Comment: The c.2105delA pathogenic mutation, located in coding exon 13 of the RAD50 gene, results from a deletion of one nucleotide at nucleotide position 2105, causing a translational frameshift with a predicted alternate stop codon (p.Q702Rfs*18). This alteration is expected to result in loss of function by premature protein truncation or nonsense-mediated mRNA decay. As such, this alteration is interpreted as a disease-causing mutation.